The following is an entry in ClinVar:

ClinVar aggregate classification (germline): Uncertain significance (1 of 4 stars; one submission).

Conditions:
Cardiomyopathy (CMYO). Also called: Cardiomyopathies. Identifiers: Orphanet 167848, MedGen C0878544, MONDO:0004994, HP:0001638. Inheritance: Various modes of inheritance.

Submission:

Color Diagnostics, LLC DBA Color Health
Classification: Uncertain significance for Cardiomyopathy. Last evaluated: 2023-12-05. Review status: criteria provided, single submitter. Criteria: ACMG Guidelines, 2015. Collection method: clinical testing. Allele origin: germline.
Comment: Variant of Uncertain Significance due to insufficient evidence: This missense variant replaces proline with threonine at codon 316 of the MYBPC3 protein. Computational prediction tools and conservation analyses suggest that this variant may not impact the protein function. Computational splicing tools suggest that this variant may not impact RNA splicing. To our knowledge, functional assays have not been performed for this variant nor has this variant been reported in individuals affected with cardiovascular disorders in the literature. This variant is rare in the general population and has been identified in 0/277264 chromosomes by the Genome Aggregation Database (gnomAD). Available evidence is insufficient to determine the role of this variant in disease conclusively.

NM_000256.3(MYBPC3):c.946C>A (p.Pro316Thr)

Gene: MYBPC3 (myosin binding protein C3; minus strand). Cytogenetic location: 11p11.2.
Variant type: single nucleotide variant.
Coding change: c.946C>A on transcript NM_000256.3 (MANE Select); coding-DNA position 946, C replaced by A.
Protein change: p.Pro316Thr; replaces proline 316 with threonine.
Molecular consequence: missense variant.
Genome position (GRCh38, 1-based): chr11:47,346,351, G>T on the plus strand (C>A on the coding strand, the complement: MYBPC3 is on the minus strand). VCF-style: chr11-47346351-G-T. GRCh37 (hg19) VCF-style: chr11-47367902-G-T.
Other names: short protein forms P316T.
Identifiers: ClinVar variation 920109 (VCV000920109.5), dbSNP rs2095894126, ClinGen allele CA380332159.